The following is an entry in ClinVar:

ClinVar aggregate classification (germline): Uncertain significance. Review status: criteria provided, multiple submitters, no conflicts (2 of 4 stars). 4 submissions from 4 submitters: Uncertain significance (3). 1 of the submissions does not count toward it. Last evaluated 2024-12-15.

Conditions:
Autosomal recessive nonsyndromic hearing loss 12. Also called: DEAFNESS, AUTOSOMAL RECESSIVE 12. Identifiers: Orphanet 90636, MedGen C1832394, MONDO:0011067, OMIM 601386.
Usher syndrome type 1 (USH1). Also called: RETINITIS PIGMENTOSA AND CONGENITAL DEAFNESS. Identifiers: Orphanet 231169, Orphanet 886, MedGen C1568247, MONDO:0010168, OMIM 276900.

Allele frequency attached by ClinVar (database versions not stated): gnomAD 0.00001 and 0.00002; gnomAD exomes 0.00001 and 0.00002; TOPMed 0.00001; ExAC 0.00002; ESP Exome Variant Server 0.00008.
gnomAD v4.1: 22 of 1,612,188 alleles (0.0014%); highest among the groups gnomAD compares: South Asian, 0.0033%; no homozygotes.

Submissions (4):

Laboratory of Prof. Karen Avraham, Tel Aviv University
Classification: Uncertain significance for Autosomal recessive nonsyndromic hearing loss 12. Last evaluated: 2024-12-15. Review status: criteria provided, single submitter. Criteria: ACMG Guidelines, 2015. Collection method: research. Allele origin: germline. Affected: yes. Observed: 1 variant allele.
Comment: The CDH23 c.1276C>T:p.(Arg426Cys) variant, predicted deleterioos, is very rare. Both genes are known to be involved in NSHL as well as in USH syndrome. ;

Labcorp Genetics (formerly Invitae), Labcorp
Classification: Uncertain significance. Last evaluated: 2022-03-10. Review status: criteria provided, single submitter. Criteria: Invitae Variant Classification Sherloc (09022015). Collection method: clinical testing. Allele origin: germline.
Comment: This sequence change replaces arginine, which is basic and polar, with cysteine, which is neutral and slightly polar, at codon 426 of the CDH23 protein (p.Arg426Cys). This variant is present in population databases (rs373674747, gnomAD 0.004%). This variant has not been reported in the literature in individuals affected with CDH23-related conditions. ClinVar contains an entry for this variant (Variation ID: 970077). Algorithms developed to predict the effect of missense changes on protein structure and function are either unavailable or do not agree on the potential impact of this missense change (SIFT: "Deleterious"; PolyPhen-2: "Not Available"; Align-GVGD: "Class C65"). In summary, the available evidence is currently insufficient to determine the role of this variant in disease. Therefore, it has been classified as a Variant of Uncertain Significance.

Blueprint Genetics
Classification: Uncertain significance. Last evaluated: 2021-05-27. Review status: criteria provided, single submitter. Criteria: ACMG Guidelines, 2015. Collection method: clinical testing. Allele origin: germline.

Natera, Inc.
Classification: Uncertain significance for Usher syndrome type 1. Last evaluated: 2020-07-14. Review status: no assertion criteria provided. Collection method: clinical testing. Allele origin: germline. Not counted in ClinVar's aggregate classification.

NM_022124.6(CDH23):c.1276C>T (p.Arg426Cys)

Gene: CDH23 (cadherin related 23; plus strand). Cytogenetic location: 10q22.1.
Variant type: single nucleotide variant.
Coding change: c.1276C>T on transcript NM_022124.6 (MANE Select); coding-DNA position 1276, C replaced by T.
Protein change: p.Arg426Cys; replaces arginine 426 with cysteine.
Molecular consequence: missense variant.
Genome position (GRCh38, 1-based): chr10:71,645,966, C>T. VCF-style: chr10-71645966-C-T. GRCh37 (hg19) VCF-style: chr10-73405723-C-T.
Other names: DFNB12; c.1276C>T, p.Arg426Cys (NM_001171930.2, NM_001171931.2, NM_052836.4); short protein forms R426C.
Identifiers: ClinVar variation 970077 (VCV000970077.9), dbSNP rs373674747, ClinGen allele CA5543747.